The following is an entry in ClinVar:

ClinVar aggregate classification (germline): Uncertain significance (1 of 4 stars; one submission).

Conditions:
Cardiovascular phenotype. Identifiers: MedGen CN230736.

gnomAD v4.1: 10 of 1,612,786 alleles (0.00062%); highest among the groups gnomAD compares: Admixed American, 0.0017%; no homozygotes.

Submission:

Ambry Genetics
Classification: Uncertain significance for Cardiovascular phenotype. Last evaluated: 2025-06-17. Review status: criteria provided, single submitter. Criteria: Ambry Variant Classification Scheme 2023. Collection method: clinical testing. Allele origin: germline.
Comment: Based on insufficient or conflicting evidence, the clinical significance of this alteration remains unclear.

NM_178172.6(GPIHBP1):c.453C>T (p.Gly151=)

Gene: GPIHBP1 (glycosylphosphatidylinositol anchored high density lipoprotein binding protein 1; plus strand). Cytogenetic location: 8q24.3.
Variant type: single nucleotide variant.
Coding change: c.453C>T on transcript NM_178172.6 (MANE Select); coding-DNA position 453, C replaced by T.
Protein change: p.Gly151=; no amino-acid change (glycine 151 retained).
Molecular consequence: synonymous variant. On other transcripts: intron variant (1).
Genome position (GRCh38, 1-based): chr8:143,215,416, C>T. VCF-style: chr8-143215416-C-T. GRCh37 (hg19) VCF-style: chr8-144297291-C-T.
Other names: c.375+78C>T (NM_001301772.2).
Identifiers: ClinVar variation 4265581 (VCV004265581.1).